The following is an entry in ClinVar:

NM_001378454.1(ALMS1):c.2450T>C (p.Leu817Pro)

Gene: ALMS1 (ALMS1 centrosome and basal body associated protein; plus strand). Cytogenetic location: 2p13.1.
Variant type: single nucleotide variant.
Coding change: c.2450T>C on transcript NM_001378454.1 (MANE Select); coding-DNA position 2450, T replaced by C.
Protein change: p.Leu817Pro; replaces leucine 817 with proline.
Molecular consequence: missense variant.
Genome position (GRCh38, 1-based): chr2:73,448,977, T>C. VCF-style: chr2-73448977-T-C. GRCh37 (hg19) VCF-style: chr2-73676104-T-C.
Other names: c.2453T>C, p.Leu818Pro (NM_015120.4); short protein forms L818P, L817P.
Identifiers: ClinVar variation 1791526 (VCV001791526.4), dbSNP rs751189686, ClinGen allele CA1713347.

ClinVar aggregate classification (germline): Uncertain significance. Review status: criteria provided, multiple submitters, no conflicts (2 of 4 stars). 2 submissions from 2 submitters: Uncertain significance (2). Last evaluated 2025-08-05.

Conditions:
Cardiovascular phenotype. Identifiers: MedGen CN230736.

Allele frequency attached by ClinVar (database versions not stated): gnomAD exomes below 0.00001; ExAC 0.00001; gnomAD 0.00001; TOPMed 0.00001.
gnomAD v4.1: 4 of 1,612,522 alleles (0.00025%); highest among the groups gnomAD compares: Non-Finnish European, 0.00034%; no homozygotes.

Submissions (2):

Ambry Genetics
Classification: Uncertain significance for Cardiovascular phenotype. Last evaluated: 2025-08-05. Review status: criteria provided, single submitter. Criteria: Ambry Variant Classification Scheme 2023. Collection method: clinical testing. Allele origin: germline.
Comment: The p.L818P variant (also known as c.2453T>C), located in coding exon 8 of the ALMS1 gene, results from a T to C substitution at nucleotide position 2453. The leucine at codon 818 is replaced by proline, an amino acid with similar properties. This amino acid position is poorly conserved in available vertebrate species. In addition, this alteration is predicted to be tolerated by in silico analysis. Based on the available evidence, the clinical significance of this variant remains unclear.

GeneDx
Classification: Uncertain significance. Last evaluated: 2022-09-21. Review status: criteria provided, single submitter. Criteria: GeneDx Variant Classification Process June 2021. Collection method: clinical testing. Allele origin: germline. Affected: yes.
Comment: Not observed at significant frequency in large population cohorts (gnomAD); In silico analysis supports that this missense variant has a deleterious effect on protein structure/function; Has not been previously published as pathogenic or benign to our knowledge